The following is an entry in ClinVar:

ClinVar aggregate classification (germline): Uncertain significance (1 of 4 stars; one submission).

gnomAD v4.1: 2 of 1,613,960 alleles (0.00012%); highest among the groups gnomAD compares: Non-Finnish European, 0.00017%; no homozygotes.

Submission:

Labcorp Genetics (formerly Invitae), Labcorp
Classification: Uncertain significance. Last evaluated: 2024-08-10. Review status: criteria provided, single submitter. Criteria: Invitae Variant Classification Sherloc (09022015). Collection method: clinical testing. Allele origin: germline.
Comment: This sequence change replaces leucine, which is neutral and non-polar, with glutamine, which is neutral and polar, at codon 206 of the PLVAP protein (p.Leu206Gln). This variant is not present in population databases (gnomAD no frequency). This variant has not been reported in the literature in individuals affected with PLVAP-related conditions. An algorithm developed to predict the effect of missense changes on protein structure and function outputs the following: PolyPhen-2: "Benign". The glutamine amino acid residue is found in multiple mammalian species, which suggests that this missense change does not adversely affect protein function. In summary, the available evidence is currently insufficient to determine the role of this variant in disease. Therefore, it has been classified as a Variant of Uncertain Significance.

NM_031310.3(PLVAP):c.617T>A (p.Leu206Gln)

Gene: PLVAP (plasmalemma vesicle associated protein; minus strand). Cytogenetic location: 19p13.11.
Variant type: single nucleotide variant.
Coding change: c.617T>A on transcript NM_031310.3 (MANE Select); coding-DNA position 617, T replaced by A.
Protein change: p.Leu206Gln; replaces leucine 206 with glutamine.
Molecular consequence: missense variant.
Genome position (GRCh38, 1-based): chr19:17,365,848, A>T on the plus strand (T>A on the coding strand, the complement: PLVAP is on the minus strand). VCF-style: chr19-17365848-A-T. GRCh37 (hg19) VCF-style: chr19-17476657-A-T.
Other names: short protein forms L206Q.
Identifiers: ClinVar variation 3702182 (VCV003702182.1).